The following is an entry in ClinVar:

ClinVar aggregate classification (germline): Uncertain significance. Review status: criteria provided, multiple submitters, no conflicts (2 of 4 stars). 2 submissions from 2 submitters: Uncertain significance (2). Last evaluated 2019-04-01.

Conditions:
DICER1-related tumor predisposition. Also called: DICER1-related pleuropulmonary blastoma cancer predisposition syndrome; DICER1 syndrome. Identifiers: Orphanet 284343, MedGen C3839822, MONDO:0100216.
Hereditary cancer-predisposing syndrome. Also called: Neoplastic Syndromes, Hereditary; Tumor predisposition; Hereditary Cancer Syndrome; Hereditary neoplastic syndrome. Identifiers: Orphanet 140162, MedGen C0027672, MeSH D009386, MONDO:0015356.

Submissions (2):

Ambry Genetics
Classification: Uncertain significance for Hereditary cancer-predisposing syndrome. Last evaluated: 2019-04-01. Review status: criteria provided, single submitter. Criteria: Ambry Variant Classification Scheme 2023. Collection method: clinical testing. Allele origin: germline.
Comment: The p.R187G variant (also known as c.559C>G), located in coding exon 4 of the DICER1 gene, results from a C to G substitution at nucleotide position 559. The arginine at codon 187 is replaced by glycine, an amino acid with dissimilar properties. This amino acid position is well conserved in available vertebrate species. In addition, the in silico prediction for this alteration is inconclusive. Since supporting evidence is limited at this time, the clinical significance of this alteration remains unclear.

Labcorp Genetics (formerly Invitae), Labcorp
Classification: Uncertain significance for DICER1-related tumor predisposition. Last evaluated: 2017-10-18. Review status: criteria provided, single submitter. Criteria: Invitae Variant Classification Sherloc (09022015). Collection method: clinical testing. Allele origin: germline.
Comment: In summary, the available evidence is currently insufficient to determine the role of this variant in disease. Therefore, it has been classified as a Variant of Uncertain Significance. Algorithms developed to predict the effect of missense changes on protein structure and function (SIFT, PolyPhen-2, Align-GVGD) all suggest that this variant is likely to be tolerated, but these predictions have not been confirmed by published functional studies and their clinical significance is uncertain. This variant has not been reported in the literature in individuals with DICER1-related disease. This variant is not present in population databases (ExAC no frequency). This sequence change replaces arginine with glycine at codon 187 of the DICER1 protein (p.Arg187Gly). The arginine residue is highly conserved and there is a moderate physicochemical difference between arginine and glycine.

NM_177438.3(DICER1):c.559C>G (p.Arg187Gly)

Gene: DICER1 (dicer 1, ribonuclease III; minus strand). Cytogenetic location: 14q32.13.
Variant type: single nucleotide variant.
Coding change: c.559C>G on transcript NM_177438.3 (MANE Select); coding-DNA position 559, C replaced by G.
Protein change: p.Arg187Gly; replaces arginine 187 with glycine.
Molecular consequence: missense variant.
Genome position (GRCh38, 1-based): chr14:95,130,072, G>C on the plus strand (C>G on the coding strand, the complement: DICER1 is on the minus strand). VCF-style: chr14-95130072-G-C. GRCh37 (hg19) VCF-style: chr14-95596409-G-C.
Other names: c.559C>G, p.Arg187Gly (NM_001195573.1, NM_001271282.3, NM_001291628.2 and 1 more transcripts); short protein forms R187G.
Identifiers: ClinVar variation 543559 (VCV000543559.14), dbSNP rs763801533, ClinGen allele CA390888356.
Genomic context (GRCh38, chr14:95,130,072, plus strand): 5'-CTCAATAGTTTACCAAGAATTACTAAGACTTAGGTCTAAAACTTACCTTCATAATTTCTC[G>C]ATAGGGGTGGTCTAGGATTGCAAGATGACACTCATCAAACACCAAAAGGTTAATGTCTGA-3'
Protein context (NP_803187.1, residues 177-197): CHLAILDHPY[Arg187Gly]EIMKLCENCP